The following is an entry in ClinVar:

NM_014319.5(LEMD3):c.2408A>G (p.His803Arg)

Gene: LEMD3 (LEM domain containing 3; plus strand). Cytogenetic location: 12q14.3.
Variant type: single nucleotide variant.
Coding change: c.2408A>G on transcript NM_014319.5 (MANE Select); coding-DNA position 2408, A replaced by G.
Protein change: p.His803Arg; replaces histidine 803 with arginine.
Molecular consequence: missense variant.
Genome position (GRCh38, 1-based): chr12:65,245,689, A>G. VCF-style: chr12-65245689-A-G. GRCh37 (hg19) VCF-style: chr12-65639469-A-G.
Other names: c.2405A>G, p.His802Arg (NM_001167614.2); short protein forms H803R, H802R.
Identifiers: ClinVar variation 3649847 (VCV003649847.2).

ClinVar aggregate classification (germline): Uncertain significance (1 of 4 stars; one submission).

Submission:

Labcorp Genetics (formerly Invitae), Labcorp
Classification: Uncertain significance. Last evaluated: 2024-04-14. Review status: criteria provided, single submitter. Criteria: Invitae Variant Classification Sherloc (09022015). Collection method: clinical testing. Allele origin: germline.
Comment: This sequence change replaces histidine, which is basic and polar, with arginine, which is basic and polar, at codon 803 of the LEMD3 protein (p.His803Arg). This variant is present in population databases (no rsID available, gnomAD 0.0009%). This variant has not been reported in the literature in individuals affected with LEMD3-related conditions. Advanced modeling of protein sequence and biophysical properties (such as structural, functional, and spatial information, amino acid conservation, physicochemical variation, residue mobility, and thermodynamic stability) performed at Invitae indicates that this missense variant is not expected to disrupt LEMD3 protein function with a negative predictive value of 80%. In summary, the available evidence is currently insufficient to determine the role of this variant in disease. Therefore, it has been classified as a Variant of Uncertain Significance.